The following is an entry in ClinVar:

ClinVar aggregate classification (germline): Uncertain significance (1 of 4 stars; one submission).

Submission:

Labcorp Genetics (formerly Invitae), Labcorp
Classification: Uncertain significance. Last evaluated: 2025-09-23. Review status: criteria provided, single submitter. Criteria: Invitae Variant Classification Sherloc (09022015). Collection method: clinical testing. Allele origin: germline.
Comment: This sequence change replaces lysine, which is basic and polar, with glutamic acid, which is acidic and polar, at codon 307 of the GNAS protein (p.Lys307Glu). This variant is not present in population databases (gnomAD no frequency). This variant has not been reported in the literature in individuals affected with GNAS-related conditions. Invitae Evidence Modeling of protein sequence and biophysical properties (such as structural, functional, and spatial information, amino acid conservation, physicochemical variation, residue mobility, and thermodynamic stability) indicates that this missense variant is expected to disrupt GNAS protein function with a positive predictive value of 80%. In summary, the available evidence is currently insufficient to determine the role of this variant in disease. Therefore, it has been classified as a Variant of Uncertain Significance.

NM_000516.7(GNAS):c.919A>G (p.Lys307Glu)

Gene: GNAS (GNAS complex locus; plus strand). Cytogenetic location: 20q13.32.
Variant type: single nucleotide variant.
Coding change: c.919A>G on transcript NM_000516.7 (MANE Select); coding-DNA position 919, A replaced by G.
Protein change: p.Lys307Glu; replaces lysine 307 with glutamic acid.
Molecular consequence: missense variant. On other transcripts: 3 prime UTR variant (2).
Genome position (GRCh38, 1-based): chr20:58,910,030, A>G. VCF-style: chr20-58910030-A-G. GRCh37 (hg19) VCF-style: chr20-57485085-A-G.
Other names: c.922A>G, p.Lys308Glu (NM_001077488.5); c.874A>G, p.Lys292Glu (NM_001077489.4); c.*780A>G (NM_001077490.3); c.742A>G, p.Lys248Glu (NM_001309840.2, NM_001309861.2, NM_001438276.1 and 1 more transcripts); c.823A>G, p.Lys275Glu (NM_001410912.1); c.2803A>G, p.Lys935Glu (NM_001410913.1); c.697A>G, p.Lys233Glu (NM_001438273.1, NM_001438274.1, NM_001438275.1); c.*825A>G (NM_016592.5); and 2 more; short protein forms K233E, K292E, K307E, K950E, K248E, K275E, K293E, K308E.
Identifiers: ClinVar variation 4720071 (VCV004720071.1).